The following is an entry in ClinVar:

ClinVar aggregate classification (germline): Conflicting classifications of pathogenicity. Review status: criteria provided, conflicting classifications (1 of 4 stars). 6 submissions from 6 submitters: Uncertain significance (2); Likely benign (4). Last evaluated 2025-12-14.

Conditions:
Cardiovascular phenotype. Identifiers: MedGen CN230736.
Long QT syndrome (LQTS). Identifiers: MedGen C0023976, MeSH D008133, MONDO:0002442. Disease mechanism: loss of function. Inheritance: Various modes of inheritance.
Cardiomyopathy (CMYO). Also called: Cardiomyopathies. Identifiers: Orphanet 167848, MedGen C0878544, MONDO:0004994, HP:0001638. Inheritance: Various modes of inheritance.

Allele frequency attached by ClinVar (database versions not stated): TOPMed 0.00012; ExAC 0.00013; gnomAD 0.00013 and 0.00014; gnomAD exomes 0.00013 and 0.00020; ESP Exome Variant Server 0.00031.
gnomAD v4.1: 305 of 1,613,800 alleles (0.019%); highest among the groups gnomAD compares: Non-Finnish European, 0.024%; no homozygotes.

Submissions (6):

Labcorp Genetics (formerly Invitae), Labcorp
Classification: Uncertain significance for Long QT syndrome. Last evaluated: 2025-12-14. Review status: criteria provided, single submitter. Criteria: Invitae Variant Classification Sherloc (09022015). Collection method: clinical testing. Allele origin: germline.
Comment: This sequence change replaces isoleucine, which is neutral and non-polar, with threonine, which is neutral and polar, at codon 2285 of the ANK2 protein (p.Ile2285Thr). This variant is present in population databases (rs150684838, gnomAD 0.02%). This missense change has been observed in individual(s) with clinical features of ANK2-related conditions (internal data). ClinVar contains an entry for this variant (Variation ID: 191539). An algorithm developed to predict the effect of missense changes on protein structure and function outputs the following: PolyPhen-2: "Benign". The threonine amino acid residue is found in multiple mammalian species, which suggests that this missense change does not adversely affect protein function. In summary, the available evidence is currently insufficient to determine the role of this variant in disease. Therefore, it has been classified as a Variant of Uncertain Significance.

GeneDx
Classification: Uncertain significance. Last evaluated: 2025-09-02. Review status: criteria provided, single submitter. Criteria: GeneDx Variant Classification Process June 2021. Collection method: clinical testing. Allele origin: germline. Affected: yes.
Comment: Reported in one individual from a cohort of individuals not selected for cardiomyopathy, arrhythmia, or family history of sudden cardiac death, who underwent exome sequencing (PMID: 23861362); In silico analysis suggests that this missense variant does not alter protein structure/function; Located in exon 38, which is reported as being expressed in a brain-specific transcript (PMID: 1830053, 18790697, 26109584); This variant is associated with the following publications: (PMID: 1830053, 18790697, 26109584, 23861362)

Blueprint Genetics
Classification: Likely benign. Last evaluated: 2024-09-20. Review status: criteria provided, single submitter. Criteria: ACMG Guidelines, 2015. Collection method: clinical testing. Allele origin: germline.

Ambry Genetics
Classification: Likely benign for Cardiovascular phenotype. Last evaluated: 2019-06-25. Review status: criteria provided, single submitter. Criteria: Ambry Variant Classification Scheme 2023. Collection method: clinical testing. Allele origin: germline.

Center for Advanced Laboratory Medicine, UC San Diego Health, University of California San Diego
Classification: Likely benign for Cardiomyopathy. Last evaluated: 2017-03-17. Review status: criteria provided, single submitter. Criteria: ACMG Guidelines, 2015. Collection method: clinical testing. Allele origin: germline. Affected: yes. Observed: 1 variant allele.

Biesecker Lab/Clinical Genomics Section, National Institutes of Health
Classification: Likely benign. Last evaluated: 2013-06-24. Review status: criteria provided, single submitter. Criteria: Ng et al. (Circ Cardiovasc Genet. 2013). Collection method: research. Allele origin: unknown. Observed: 1 variant allele. Study: ClinSeq.
Comment: The study set was not selected for affection status in relation to any cancer. Pathogenicity categories were based on literature curation. See Pubmed ID:23861362 for details.

Medical sequencing

Literature cited by the submitters: PubMed 23861362 (cited by Ambry Genetics).

NM_001148.6(ANK2):c.6854T>C (p.Ile2285Thr)

Genes: ANK2 (ankyrin 2; plus strand), LOC126807137 (CDK7 strongly-dependent group 2 enhancer GRCh37_chr4:114276560-114277759; plus strand). Cytogenetic location: 4q26.
Variant type: single nucleotide variant.
Coding change: c.6854T>C on transcript NM_001148.6 (MANE Select); coding-DNA position 6854, T replaced by C.
Protein change: p.Ile2285Thr; replaces isoleucine 2285 with threonine.
Molecular consequence: missense variant. On other transcripts: intron variant (68).
Genome position (GRCh38, 1-based): chr4:113,355,472, T>C. VCF-style: chr4-113355472-T-C. GRCh37 (hg19) VCF-style: chr4-114276628-T-C.
Other names: c.6620T>C, p.Ile2207Thr (NM_001386142.1); c.3254T>C, p.Ile1085Thr (NM_001386166.1); c.6995T>C, p.Ile2332Thr (NM_001386174.1); c.6971T>C, p.Ile2324Thr (NM_001386175.1); c.4411+5223T>C (NM_001386186.2, NM_001386148.2); c.4213+5223T>C (NM_001354269.3); c.4291+5223T>C (NM_001386187.2); c.4252+5223T>C (NM_001386147.1); and 35 more; short protein forms I2285T, I1085T, I2207T, I2324T, I2332T.
Identifiers: ClinVar variation 191539 (VCV000191539.28), dbSNP rs150684838, ClinGen allele CA236941.
Genomic context (GRCh38, chr4:113,355,472, plus strand): 5'-CCAAGACAGAAACCACCACAGAAATTCGTTCAGAAAAAGAGCATCCCACGACCAAAGACA[T>C]TACTGGTGGCTCTGAAGAGCGAGGTGCCACAGTCACTGAGGACTCAGAGACCTCTACTGA-3'
Protein context (NP_001139.3, residues 2275-2295): SEKEHPTTKD[Ile2285Thr]TGGSEERGAT